The following is an entry in ClinVar:

NM_001715.3(BLK):c.433G>A (p.Ala145Thr)

Genes: BLK (BLK proto-oncogene, Src family tyrosine kinase), LOC126860303 (CDK7 strongly-dependent group 2 enhancer GRCh37_chr8:11407118-11408317). Cytogenetic location: 8p23.1.
Variant type: single nucleotide variant.
Coding change: c.433G>A on transcript NM_001715.3 (MANE Select); coding-DNA position 433, G replaced by A.
Protein change: p.Ala145Thr; replaces alanine 145 with threonine.
Molecular consequence: missense variant.
Genome position (GRCh38, 1-based): chr8:11,550,223, G>A. VCF-style: chr8-11550223-G-A. GRCh37 (hg19) VCF-style: chr8-11407732-G-A.
Other names: c.220G>A, p.Ala74Thr (NM_001330465.2); short protein forms A145T, A74T.
Identifiers: ClinVar variation 1193039 (VCV001193039.3), dbSNP rs751857293, ClinGen allele CA4629876.
Genomic context (GRCh38, chr8:11,550,223, plus strand): 5'-TTCTTTAGATCACAGGGTCGGAAGGAGGCTGAGAGGCAGCTTCTTGCTCCAATCAACAAG[G>A]CCGGCTCCTTTCTTATCAGAGAGAGTGAAACCAACAAAGGTAGGCTTGGTGGCTTTGCCT-3'
Protein context (NP_001706.2, residues 135-155): ERQLLAPINK[Ala145Thr]GSFLIRESET

ClinVar aggregate classification (germline): Likely benign. Review status: criteria provided, multiple submitters, no conflicts (2 of 4 stars). 2 submissions from 2 submitters: Likely benign (2). Last evaluated 2026-08-01.

Allele frequency attached by ClinVar (database versions not stated): gnomAD 0.00001.
gnomAD v4.1: 26 of 1,614,004 alleles (0.0016%); highest among the groups gnomAD compares: South Asian, 0.0055%; no homozygotes.

Submissions (2):

CeGaT Center for Human Genetics Tuebingen
Classification: Likely benign. Last evaluated: 2026-08-01. Review status: criteria provided, single submitter. Criteria: CeGaT Center For Human Genetics Tuebingen Variant Classification Criteria Version 2. Collection method: clinical testing. Allele origin: germline. Affected: yes. Observed: 1 variant allele.
Comment: BLK: BP4

GeneDx
Classification: Likely benign. Last evaluated: 2018-11-05. Review status: criteria provided, single submitter. Criteria: GeneDx Variant Classification Process June 2021. Collection method: clinical testing. Allele origin: germline. Affected: yes.